The following is an entry in ClinVar:

NM_000516.7(GNAS):c.30G>C (p.Glu10Asp)

Gene: GNAS (GNAS complex locus; plus strand). Cytogenetic location: 20q13.32.
Variant type: single nucleotide variant.
Coding change: c.30G>C on transcript NM_000516.7 (MANE Select); coding-DNA position 30, G replaced by C.
Protein change: p.Glu10Asp; replaces glutamic acid 10 with aspartic acid.
Molecular consequence: missense variant. On other transcripts: intron variant (8).
Genome position (GRCh38, 1-based): chr20:58,891,756, G>C. VCF-style: chr20-58891756-G-C. GRCh37 (hg19) VCF-style: chr20-57466811-G-C.
Other names: c.30G>C, p.Glu10Asp (NM_001309842.2, NM_080426.4, NM_001077488.5 and 1 more transcripts); c.*43-3856G>C (NM_016592.5); c.44-3856G>C (NM_001410912.1); c.-38-3856G>C (NM_001309861.2); c.*1-3856G>C (NM_001077490.3); c.2069-3856G>C (NM_080425.4, NM_001410913.1); c.*159-3856G>C (NM_001309883.1); c.-39+2403G>C (NM_001309840.2); short protein forms E10D.
Identifiers: ClinVar variation 3642861 (VCV003642861.2).

ClinVar aggregate classification (germline): Uncertain significance (1 of 4 stars; one submission).

gnomAD v4.1: 1 of 1,258,014 alleles (0.000079%); highest among the groups gnomAD compares: Non-Finnish European, 0.0001%; no homozygotes.

Submission:

Labcorp Genetics (formerly Invitae), Labcorp
Classification: Uncertain significance. Last evaluated: 2024-10-15. Review status: criteria provided, single submitter. Criteria: Invitae Variant Classification Sherloc (09022015). Collection method: clinical testing. Allele origin: germline.
Comment: This sequence change replaces glutamic acid, which is acidic and polar, with aspartic acid, which is acidic and polar, at codon 10 of the GNAS protein (p.Glu10Asp). This variant is not present in population databases (gnomAD no frequency). This variant has not been reported in the literature in individuals affected with GNAS-related conditions. An algorithm developed to predict the effect of missense changes on protein structure and function (PolyPhen-2) suggests that this variant is likely to be tolerated. In summary, the available evidence is currently insufficient to determine the role of this variant in disease. Therefore, it has been classified as a Variant of Uncertain Significance.